The following is an entry in ClinVar:

ClinVar aggregate classification (germline): Pathogenic. Review status: criteria provided, multiple submitters, no conflicts (2 of 4 stars). 2 submissions from 2 submitters: Pathogenic (2). Last evaluated 2026-01-26.

Conditions:
Familial adenomatous polyposis 4 (FAP4). Also called: MSH3-related attenuated familial adenomatous polyposis. Identifiers: Orphanet 480536, MedGen C4310719, MONDO:0044300, OMIM 617100.
Hereditary cancer-predisposing syndrome. Also called: Neoplastic Syndromes, Hereditary; Tumor predisposition; Hereditary neoplastic syndrome; Hereditary Cancer Syndrome. Identifiers: Orphanet 140162, MedGen C0027672, MeSH D009386, MONDO:0015356.

Submissions (2):

Ambry Genetics
Classification: Pathogenic for Hereditary cancer-predisposing syndrome. Last evaluated: 2026-01-26. Review status: criteria provided, single submitter. Criteria: Ambry Variant Classification Scheme 2023. Collection method: clinical testing. Allele origin: germline.
Comment: The c.2305dupG pathogenic mutation, located in coding exon 16 of the MSH3 gene, results from a duplication of G at nucleotide position 2305, causing a translational frameshift with a predicted alternate stop codon (p.V769Gfs*34). This variant is considered to be rare based on population cohorts in the Genome Aggregation Database (gnomAD). This alteration is expected to result in loss of function by premature protein truncation or nonsense-mediated mRNA decay. As such, this alteration is interpreted as a disease-causing mutation.

Myriad Genetics, Inc.
Classification: Pathogenic for Familial adenomatous polyposis 4. Last evaluated: 2025-05-28. Review status: criteria provided, single submitter. Criteria: Myriad Autosomal Dominant, Autosomal Recessive and X-Linked Classification Criteria (2023). Collection method: clinical testing. Allele origin: unknown.
Comment: This variant is considered pathogenic. This variant creates a frameshift predicted to result in premature protein truncation.

NM_002439.5(MSH3):c.2305dup (p.Val769fs)

Gene: MSH3 (mutS homolog 3; plus strand). Cytogenetic location: 5q14.1.
Variant type: Duplication.
Coding change: c.2305dup on transcript NM_002439.5 (MANE Select); coding-DNA position 2305, one base duplicated (G; older notation c.2305dupG).
Protein change: p.Val769fs; shifts the reading frame from valine 769.
Molecular consequence: frameshift variant.
Genome position (GRCh38, 1-based): chr5:80,775,745, G duplicated; the last of 3 consecutive G bases (chr5:80,775,743-80,775,745); duplicating any one gives the same sequence. VCF-style (leftmost placement, unchanged base first): chr5-80775742-T-TG. GRCh37 (hg19) VCF-style: chr5-80071561-T-TG.
Other names: c.2305dupG (NM_002439.3); short protein forms V769fs.
Identifiers: ClinVar variation 4071400 (VCV004071400.2).